The following is an entry in ClinVar:

ClinVar aggregate classification (germline): Uncertain significance (1 of 4 stars; one submission).

Submission:

Ambry Genetics
Classification: Uncertain significance. Last evaluated: 2024-09-09. Review status: criteria provided, single submitter. Criteria: Ambry Variant Classification Scheme 2023. Collection method: clinical testing. Allele origin: germline.
Comment: The p.N1700S variant (also known as c.5099A>G), located in coding exon 44 of the KIF1B gene, results from an A to G substitution at nucleotide position 5099. The asparagine at codon 1700 is replaced by serine, an amino acid with highly similar properties. This amino acid position is conserved. In addition, this alteration is predicted to be tolerated by in silico analysis. Based on the available evidence, the clinical significance of this variant remains unclear.

NM_001365951.3(KIF1B):c.5237A>G (p.Asn1746Ser)

Gene: KIF1B (kinesin family member 1B; plus strand). Cytogenetic location: 1p36.22.
Variant type: single nucleotide variant.
Coding change: c.5237A>G on transcript NM_001365951.3 (MANE Select); coding-DNA position 5237, A replaced by G.
Protein change: p.Asn1746Ser; replaces asparagine 1746 with serine.
Molecular consequence: missense variant.
Genome position (GRCh38, 1-based): chr1:10,374,994, A>G. VCF-style: chr1-10374994-A-G. GRCh37 (hg19) VCF-style: chr1-10435052-A-G.
Other names: c.5237A>G, p.Asn1746Ser (NM_001365952.1); c.5099A>G, p.Asn1700Ser (NM_015074.3); short protein forms N1700S, N1746S.
Identifiers: ClinVar variation 3533893 (VCV003533893.1).